The following is an entry in ClinVar:

ClinVar aggregate classification (germline): Conflicting classifications of pathogenicity. Review status: criteria provided, conflicting classifications (1 of 4 stars). 5 submissions from 5 submitters: Uncertain significance (3); Benign (1). 1 of the submissions does not count toward it. Last evaluated 2026-08-02.

Conditions:
beta Thalassemia (BTHAL). Also called: Cooley's anemia; Erythroblastic anemia; Mediterranean anemia. Identifiers: Orphanet 848, MedGen C0005283, MONDO:0019402. Disease mechanism: loss of function.

Allele frequency attached by ClinVar (database versions not stated): gnomAD below 0.00001 and 0.00002.

Submissions (5):

GeneDx
Classification: Uncertain significance. Last evaluated: 2026-08-02. Review status: criteria provided, single submitter. Criteria: GeneDx Variant Classification Process June 2021. Collection method: clinical testing. Allele origin: germline.
Comment: This variant has, to our knowledge, always been found in cis with the known pathogenic variant HBB c.92G>C, also called Hb Monroe (PMID: 27263053, 27828729, 27756326, 21931510, 20406103, 25976460, 8330981); Identified in homozygous and heterozygous state in patients with beta-thalassemia and beta-thalassemia trait, respectively, in the published literature (PMID: 27263053, 27828729, 27756326, 21931510, 20406103, 25976460, 8330981); Published functional studies demonstrate no damaging effect (PMID: 3457470); No data available from control populations to assess the frequency of this variant; Located in a regulatory region; Also known as -42 (C>G); This variant is associated with the following publications: (PMID: 21931510, 27756326, 34272389, 20406103, 12324499, 27263053, 25976460, 40817744, 8330981, 27828729, 3457470)

ARUP Laboratories, Molecular Genetics and Genomics, ARUP Laboratories
Classification: Benign. Last evaluated: 2025-07-22. Review status: criteria provided, single submitter. Criteria: ARUP Molecular Germline Variant Investigation Process 2024. Collection method: clinical testing. Allele origin: germline.

Quest Diagnostics Nichols Institute San Juan Capistrano
Classification: Uncertain significance. Last evaluated: 2023-07-11. Review status: criteria provided, single submitter. Criteria: Quest Diagnostics criteria. Collection method: clinical testing. Allele origin: unknown.

Women's Health and Genetics/Laboratory Corporation of America, LabCorp
Classification: Uncertain significance for Beta Thalassemia. Last evaluated: 2011-08-18. Review status: criteria provided, single submitter. Criteria: LabCorp Variant Classification Summary - May 2015. Collection method: curation, clinical testing. Allele origin: germline. Inheritance: autosomal recessive. Affected: yes. Observed: 2 variant alleles.
ClinVar note: Converted during submission from uncertain to Uncertain significance.

Molecular Genetics Laboratory, BC Children's and BC Women's Hospitals
Classification: Likely benign for beta Thalassemia. Last evaluated: 2023-09-11. Review status: no assertion criteria provided. Criteria: ACMG Guidelines, 2015. Collection method: clinical testing. Allele origin: germline. Affected: yes. Not counted in ClinVar's aggregate classification.

Literature cited by the submitters: PubMed 21931510 (cited by Quest Diagnostics Nichols Institute San Juan Capistrano); PubMed 27263053 (cited by Quest Diagnostics Nichols Institute San Juan Capistrano); PubMed 27828729 (cited by Quest Diagnostics Nichols Institute San Juan Capistrano); PubMed 8330981 (cited by Quest Diagnostics Nichols Institute San Juan Capistrano); PubMed 20406103 (cited by Quest Diagnostics Nichols Institute San Juan Capistrano and Women's Health and Genetics/Laboratory Corporation of America, LabCorp); PubMed 25976460 (cited by Quest Diagnostics Nichols Institute San Juan Capistrano); PubMed 27756326 (cited by Quest Diagnostics Nichols Institute San Juan Capistrano).

NC_000011.10:g.5227113G>C

Genes: HBB (hemoglobin subunit beta; minus strand), LOC106099062 (HBB recombination region; plus strand), LOC107133510 (origin of replication at HBB; plus strand). Cytogenetic location: 11p15.4.
Variant type: single nucleotide variant.
Genome position: GRCh38 VCF-style: chr11-5227113-G-C. GRCh37 (hg19) VCF-style: chr11-5248343-G-C.
Identifiers: ClinVar variation 36298 (VCV000036298.24), dbSNP rs397515291, ClinGen allele CA342848.
Genomic context (GRCh38, chr11:5,227,113, plus strand): 5'-TTGTGTCAGAAGCAAATGTAAGCAATAGATGGCTCTGCCCTGACTTTTATGCCCAGCCCT[G>C]GCTCCTGCCCTCCCTGCTCCTGGGAGTAGATTGGCCAACCCTAGGGTGTGGCTCCACAGG-3'